The following is an entry in ClinVar:

ClinVar aggregate classification (germline): Pathogenic (1 of 4 stars; one submission).

Conditions:
Polycystic kidney disease, adult type (PKD1). Also called: Polycystic Kidney Disease 1, Autosomal Dominant; Polycystic kidney disease 1; Polycystic kidney disease 1, severe; POLYCYSTIC KIDNEY DISEASE 1 WITH OR WITHOUT POLYCYSTIC LIVER DISEASE; POLYCYSTIC KIDNEY DISEASE, ADULT, TYPE I; Polycystic Kidney, Autosomal Dominant. Identifiers: MedGen C3149841, MONDO:0008263, OMIM 173900.

Submission:

Victorian Clinical Genetics Services, Murdoch Childrens Research Institute
Classification: Pathogenic for Polycystic kidney disease, adult type. Last evaluated: 2023-07-17. Review status: criteria provided, single submitter. Criteria: ACMG Guidelines, 2015. Collection method: clinical testing. Allele origin: germline. Inheritance: Autosomal dominant inheritance. Affected: yes.
Comment: Based on the classification scheme VCGS_Germline_v1.3.4, this variant is classified as Pathogenic. Following criteria are met: 0102 - Loss of function is a known mechanism of disease in this gene and is associated with polycystic kidney disease 1 (MIM#173900). (I) 0107 - This gene is associated with autosomal dominant disease. Polycystic kidney disease 1 (MIM#173900) is predominantly caused by monoallelic variants, with rare reports of biallelic variants causing disease (OMIM). (I) 0201 - Variant is predicted to cause nonsense-mediated decay (NMD) and loss of protein (premature termination codon is located at least 54 nucleotides upstream of the final exon-exon junction). (SP) 0251 - This variant is heterozygous. (I) 0301 - Variant is absent from gnomAD (both v2 and v3). (SP) 0701 - Other NMD predicted variants comparable to the one identified in this case have very strong previous evidence for pathogenicity (ClinVar). (SP) 0807 - This variant has no previous evidence of pathogenicity. (I) 0905 - No published segregation evidence has been identified for this variant. (I) 1007 - No published functional evidence has been identified for this variant. (I) 1208 - Inheritance information for this variant is not currently available in this individual. (I) Legend: (SP) - Supporting pathogenic, (I) - Information, (SB) - Supporting benign

NM_001009944.3(PKD1):c.3753del (p.Val1252fs)

Gene: PKD1 (polycystin 1, transient receptor potential channel interacting; minus strand). Cytogenetic location: 16p13.3.
Variant type: Deletion.
Coding change: c.3753del on transcript NM_001009944.3 (MANE Select); coding-DNA position 3753, one base deleted (C; older notation c.3753delC).
Protein change: p.Val1252fs; shifts the reading frame from valine 1252.
Molecular consequence: frameshift variant.
Genome position (GRCh38, 1-based): chr16:2,111,414, G deleted on the plus strand (C on the coding strand, the reverse complement: PKD1 is on the minus strand); the first of 2 consecutive G bases (chr16:2,111,414-2,111,415); deleting either gives the same sequence. VCF-style (leftmost placement, unchanged base first): chr16-2111413-CG-C. GRCh37 (hg19) VCF-style: chr16-2161414-CG-C.
Other names: c.3753del, p.Val1252fs (NM_000296.4); c.3753delC (NM_001009944.2); short protein forms V1252fs.
Identifiers: ClinVar variation 3254851 (VCV003254851.1), dbSNP rs2544828080.